The following is an entry in ClinVar:

ClinVar aggregate classification (germline): Uncertain significance. Review status: criteria provided, single submitter (1 of 4 stars). 2 submissions from 2 submitters: Uncertain significance (1). 1 of the submissions does not count toward it. Last evaluated 2021-06-08.

Conditions:
Inborn genetic diseases. Identifiers: MedGen C0950123, MeSH D030342.
MADD-related disorder. Also called: MADD-related condition; MADD-Related Disorders.

Allele frequency attached by ClinVar (database versions not stated): gnomAD exomes 0.00004; gnomAD 0.00005; ExAC 0.00010; TOPMed 0.00011.

Submissions (2):

Ambry Genetics
Classification: Uncertain significance for Inborn genetic diseases. Last evaluated: 2021-06-08. Review status: criteria provided, single submitter. Criteria: Ambry Variant Classification Scheme 2023. Collection method: clinical testing. Allele origin: germline.
Comment: The c.3201_3206delAGTTGG (p.V1068_G1069del) alteration, located in exon 20 (coding exon 19) of the MADD gene, results from an in-frame deletion of 6 nucleotides at positions c.3201 and c.3206. This results in the deletion of 2 amino acids at codons 1068 and 1069. Based on data from the Genome Aggregation Database (gnomAD) database, the MADD c.3201_3206delAGTTGG alteration was observed in 0.01% (28/251,348) of total alleles studied, with a frequency of 0.08% (27/34,562) in the Latino subpopulation. This amino acid position is not well conserved in available vertebrate species. The p.V1068_G1069del alteration is predicted to be deleterious with a score of -6.27 by PROVEAN in silico analysis. Based on insufficient or conflicting evidence, the clinical significance of this alteration remains unclear.

PreventionGenetics, part of Exact Sciences
Classification: Uncertain significance for MADD-related condition. Last evaluated: 2024-09-16. Review status: no assertion criteria provided. Collection method: clinical testing. Allele origin: germline. Not counted in ClinVar's aggregate classification.
Comment: The MADD c.3201_3206del6 variant is predicted to result in an in-frame deletion (p.Val1068_Gly1069del). To our knowledge, this variant has not been reported in the literature. This variant is reported in 0.078% of alleles in individuals of Latino descent in gnomAD. At this time, the clinical significance of this variant is uncertain due to the absence of conclusive functional and genetic evidence.

NM_001376571.1(MADD):c.3201_3206del (p.Val1068_Gly1069del)

Gene: MADD (MAP kinase activating death domain; plus strand). Cytogenetic location: 11p11.2.
Variant type: Deletion.
Coding change: c.3201_3206del on transcript NM_001376571.1 (MANE Select); coding-DNA positions 3201 to 3206, 6 bases deleted (AGTTGG; older notation c.3201_3206delAGTTGG).
Protein change: p.Val1068_Gly1069del.
Molecular consequence: inframe deletion. On other transcripts: non-coding transcript variant (7).
Genome position (GRCh38, 1-based): chr11:47,290,656-47,290,661, AGTTGG deleted. VCF-style (leftmost placement, unchanged base first): chr11-47290655-CAGTTGG-C. GRCh37 (hg19) VCF-style: chr11-47312206-CAGTTGG-C.
Other names: c.3201_3206del6 (NM_003682.3); c.3012_3017del, p.Val1005_Gly1006del (NM_001135943.2, NM_001135944.2, NM_001376585.1 and 21 more transcripts); c.3201_3206del, p.Val1068_Gly1069del (NM_001376572.1, NM_001376573.1, NM_001376574.1 and 11 more transcripts); c.3141_3146del, p.Val1048_Gly1049del (NM_001376575.1, NM_001376576.1, NM_001376577.1 and 12 more transcripts); c.3114_3119del, p.Val1039_Gly1040del (NM_001376578.1, NM_001376631.1); c.3072_3077del, p.Val1025_Gly1026del (NM_001376581.1, NM_001376582.1, NM_001376586.1 and 14 more transcripts); c.3039_3044del, p.Val1014_Gly1015del (NM_001376583.1, NM_001376611.1, NM_001376613.1 and 1 more transcripts); c.3219_3224del, p.Val1074_Gly1075del (NM_001376596.1); and 10 more.
Identifiers: ClinVar variation 3121995 (VCV003121995.2), dbSNP rs766585887, ClinGen allele CA5974704.